The following is an entry in ClinVar:

ClinVar aggregate classification (germline): Uncertain significance (1 of 4 stars; one submission).

Conditions:
Hereditary cancer-predisposing syndrome. Also called: Neoplastic Syndromes, Hereditary; Tumor predisposition; Hereditary Cancer Syndrome; Hereditary neoplastic syndrome. Identifiers: Orphanet 140162, MedGen C0027672, MeSH D009386, MONDO:0015356.

gnomAD v4.1: 1 of 1,520,922 alleles (0.000066%); highest among the groups gnomAD compares: Non-Finnish European, 0.000088%; no homozygotes.

Submission:

Ambry Genetics
Classification: Uncertain significance for Hereditary cancer-predisposing syndrome. Last evaluated: 2025-06-19. Review status: criteria provided, single submitter. Criteria: Ambry Variant Classification Scheme 2023. Collection method: clinical testing. Allele origin: germline.
Comment: The p.P18T variant (also known as c.52C>A), located in coding exon 1 of the TMEM127 gene, results from a C to A substitution at nucleotide position 52. The proline at codon 18 is replaced by threonine, an amino acid with highly similar properties. This amino acid position is conserved. In addition, this alteration is predicted to be tolerated by in silico analysis. Based on the available evidence, the clinical significance of this variant remains unclear.

NM_017849.4(TMEM127):c.52C>A (p.Pro18Thr)

Genes: TMEM127 (transmembrane protein 127; minus strand), LOC129934333 (ATAC-STARR-seq lymphoblastoid silent region 11759; plus strand). Cytogenetic location: 2q11.2.
Variant type: single nucleotide variant.
Coding change: c.52C>A on transcript NM_017849.4 (MANE Select); coding-DNA position 52, C replaced by A.
Protein change: p.Pro18Thr; replaces proline 18 with threonine.
Molecular consequence: missense variant. On other transcripts: intron variant (1).
Genome position (GRCh38, 1-based): chr2:96,265,330, G>T on the plus strand (C>A on the coding strand, the complement: TMEM127 is on the minus strand). VCF-style: chr2-96265330-G-T. GRCh37 (hg19) VCF-style: chr2-96931068-G-T.
Other names: c.52C>A, p.Pro18Thr (NM_001193304.3); c.-9+539C>A (NM_001407283.1); short protein forms P18T.
Identifiers: ClinVar variation 4185903 (VCV004185903.1).